The following is an entry in ClinVar:

ClinVar aggregate classification (germline): Benign (0 of 4 stars; one submission).

Conditions:
MYO7B-related disorder. Also called: MYO7B-related condition.

Allele frequency attached by ClinVar (database versions not stated): ExAC 0.00104; 1000 Genomes Project 0.00260; ESP Exome Variant Server 0.00274; 1000 Genomes Project 30x 0.00328; gnomAD 0.00367; TOPMed 0.00389.
gnomAD v4.1: 1,160 of 1,608,854 alleles (0.072%); highest among the groups gnomAD compares: African/African-American, 1.2%; 9 homozygotes.

Submission:

PreventionGenetics, part of Exact Sciences
Classification: Benign for MYO7B-related condition. Last evaluated: 2019-05-01. Review status: no assertion criteria provided. Collection method: clinical testing. Allele origin: germline.
Comment: This variant is classified as benign based on ACMG/AMP sequence variant interpretation guidelines (Richards et al. 2015 PMID: 25741868, with internal and published modifications).

NM_001393586.1(MYO7B):c.4969G>A (p.Val1657Met)

Gene: MYO7B (myosin VIIB; plus strand). Cytogenetic location: 2q14.3.
Variant type: single nucleotide variant.
Coding change: c.4969G>A on transcript NM_001393586.1 (MANE Select); coding-DNA position 4969, G replaced by A.
Protein change: p.Val1657Met; replaces valine 1657 with methionine.
Molecular consequence: missense variant.
Genome position (GRCh38, 1-based): chr2:127,631,237, G>A. VCF-style: chr2-127631237-G-A. GRCh37 (hg19) VCF-style: chr2-128388812-G-A.
Other names: c.4891G>A, p.Val1631Met (NM_001080527.2); c.1450G>A, p.Val484Met (NM_001393594.1); short protein forms V1631M, V1657M, V484M.
Identifiers: ClinVar variation 3038151 (VCV003038151.2), dbSNP rs112924521, ClinGen allele CA1862083.